The following is an entry in ClinVar:

NM_139343.3(BIN1):c.1635T>G (p.Asp545Glu)

Gene: BIN1 (bridging integrator 1; minus strand). Cytogenetic location: 2q14.3.
Variant type: single nucleotide variant.
Coding change: c.1635T>G on transcript NM_139343.3 (MANE Select); coding-DNA position 1635, T replaced by G.
Protein change: p.Asp545Glu; replaces aspartic acid 545 with glutamic acid.
Molecular consequence: missense variant.
Genome position (GRCh38, 1-based): chr2:127,050,460, A>C on the plus strand (T>G on the coding strand, the complement: BIN1 is on the minus strand). VCF-style: chr2-127050460-A-C. GRCh37 (hg19) VCF-style: chr2-127808036-A-C.
Other names: c.1506T>G, p.Asp502Glu (NM_139344.3); c.1374T>G, p.Asp458Glu (NM_139345.3); c.1347T>G, p.Asp449Glu (NM_139346.3); c.1410T>G, p.Asp470Glu (NM_139347.3); c.1302T>G, p.Asp434Glu (NM_139348.3); c.1281T>G, p.Asp427Glu (NM_139349.3); c.1173T>G, p.Asp391Glu (NM_139350.3); c.1083T>G, p.Asp361Glu (NM_139351.3); and 7 more; short protein forms D434E, D458E, D470E, D376E, D449E, D465E, D502E, D514E.
Identifiers: ClinVar variation 1037947 (VCV001037947.8), dbSNP rs1445898966, ClinGen allele CA348374056.

ClinVar aggregate classification (germline): Uncertain significance (1 of 4 stars; one submission).

Conditions:
Myopathy, centronuclear, 2 (CNM2). Also called: MYOTUBULAR MYOPATHY, AUTOSOMAL RECESSIVE. Identifiers: Orphanet 169186, MedGen CN031787, MONDO:0009709, OMIM 255200.

Submission:

Labcorp Genetics (formerly Invitae), Labcorp
Classification: Uncertain significance for Myopathy, centronuclear, 2. Last evaluated: 2022-11-08. Review status: criteria provided, single submitter. Criteria: Invitae Variant Classification Sherloc (09022015). Collection method: clinical testing. Allele origin: germline.
Comment: This sequence change replaces aspartic acid, which is acidic and polar, with glutamic acid, which is acidic and polar, at codon 545 of the BIN1 protein (p.Asp545Glu). In summary, the available evidence is currently insufficient to determine the role of this variant in disease. Therefore, it has been classified as a Variant of Uncertain Significance. Advanced modeling of protein sequence and biophysical properties (such as structural, functional, and spatial information, amino acid conservation, physicochemical variation, residue mobility, and thermodynamic stability) performed at Invitae indicates that this missense variant is not expected to disrupt BIN1 protein function. ClinVar contains an entry for this variant (Variation ID: 1037947). This variant has not been reported in the literature in individuals affected with BIN1-related conditions. This variant is not present in population databases (gnomAD no frequency).